The following is an entry in ClinVar:

NM_024593.4(CLXN):c.161G>A (p.Arg54Gln)

Gene: CLXN (calaxin; minus strand). Cytogenetic location: 8q11.21.
Variant type: single nucleotide variant.
Coding change: c.161G>A on transcript NM_024593.4 (MANE Select); coding-DNA position 161, G replaced by A.
Protein change: p.Arg54Gln; replaces arginine 54 with glutamine.
Molecular consequence: missense variant. On other transcripts: intron variant (3).
Genome position (GRCh38, 1-based): chr8:48,731,401, C>T on the plus strand (G>A on the coding strand, the complement: CLXN is on the minus strand). VCF-style: chr8-48731401-C-T. GRCh37 (hg19) VCF-style: chr8-49643960-C-T.
Other names: c.59-757G>A (NM_001142857.2, NM_001363973.3, NM_001363974.2); short protein forms R54Q.
Identifiers: ClinVar variation 4681289 (VCV004681289.5).

ClinVar aggregate classification (germline): Likely benign (1 of 4 stars; one submission).

gnomAD v4.1: 9,237 of 1,613,078 alleles (0.57%); highest among the groups gnomAD compares: Non-Finnish European, 0.7%; 40 homozygotes.

Submission:

CeGaT Center for Human Genetics Tuebingen
Classification: Likely benign. Last evaluated: 2026-03-01. Review status: criteria provided, single submitter. Criteria: CeGaT Center For Human Genetics Tuebingen Variant Classification Criteria Version 2. Collection method: clinical testing. Allele origin: germline. Affected: yes. Observed: 3 variant alleles.
Comment: CLXN: BP4, BS2